The following is an entry in ClinVar:

ClinVar aggregate classification (germline): Uncertain significance (1 of 4 stars; one submission).

Conditions:
Hereditary cancer-predisposing syndrome. Also called: Neoplastic Syndromes, Hereditary; Tumor predisposition; Hereditary Cancer Syndrome; Hereditary neoplastic syndrome. Identifiers: Orphanet 140162, MedGen C0027672, MeSH D009386, MONDO:0015356.

Allele frequency attached by ClinVar (database versions not stated): gnomAD exomes below 0.00001; TOPMed below 0.00001; gnomAD 0.00001.
gnomAD v4.1: 6 of 1,613,234 alleles (0.00037%); highest among the groups gnomAD compares: Non-Finnish European, 0.00042%; no homozygotes.

Submission:

Ambry Genetics
Classification: Uncertain significance for Hereditary cancer-predisposing syndrome. Last evaluated: 2025-05-31. Review status: criteria provided, single submitter. Criteria: Ambry Variant Classification Scheme 2023. Collection method: clinical testing. Allele origin: germline.
Comment: The p.M309T variant (also known as c.926T>C), located in coding exon 8 of the MRE11A gene, results from a T to C substitution at nucleotide position 926. The methionine at codon 309 is replaced by threonine, an amino acid with similar properties. This amino acid position is not well conserved in available vertebrate species. In addition, this alteration is predicted to be tolerated by in silico analysis. Since supporting evidence is limited at this time, the clinical significance of this alteration remains unclear.

NM_005591.4(MRE11):c.926T>C (p.Met309Thr)

Gene: MRE11 (MRE11 double strand break repair nuclease; minus strand). Cytogenetic location: 11q21.
Variant type: single nucleotide variant.
Coding change: c.926T>C on transcript NM_005591.4 (MANE Select); coding-DNA position 926, T replaced by C.
Protein change: p.Met309Thr; replaces methionine 309 with threonine.
Molecular consequence: missense variant.
Genome position (GRCh38, 1-based): chr11:94,470,562, A>G on the plus strand (T>C on the coding strand, the complement: MRE11 is on the minus strand). VCF-style: chr11-94470562-A-G. GRCh37 (hg19) VCF-style: chr11-94203728-A-G.
Other names: c.926T>C, p.Met309Thr (NM_001330347.2, NM_005590.4); short protein forms M309T.
Identifiers: ClinVar variation 481765 (VCV000481765.7), dbSNP rs1555012726, ClinGen allele CA382374448.